The following is an entry in ClinVar:

NM_130837.3(OPA1):c.2550G>C (p.Leu850Phe)

Gene: OPA1 (OPA1 mitochondrial dynamin like GTPase; plus strand). Cytogenetic location: 3q29.
Variant type: single nucleotide variant.
Coding change: c.2550G>C on transcript NM_130837.3 (MANE Select); coding-DNA position 2550, G replaced by C.
Protein change: p.Leu850Phe; replaces leucine 850 with phenylalanine.
Molecular consequence: missense variant.
Genome position (GRCh38, 1-based): chr3:193,662,851, G>C. VCF-style: chr3-193662851-G-C. GRCh37 (hg19) VCF-style: chr3-193380640-G-C.
Other names: c.2016G>C, p.Leu672Phe (NM_001354663.2); c.2013G>C, p.Leu671Phe (NM_001354664.2); c.2385G>C, p.Leu795Phe (NM_015560.3); c.2277G>C, p.Leu759Phe (NM_130831.3); c.2331G>C, p.Leu777Phe (NM_130832.3); c.2388G>C, p.Leu796Phe (NM_130833.3); c.2439G>C, p.Leu813Phe (NM_130834.3); c.2442G>C, p.Leu814Phe (NM_130835.3); and 1 more; short protein forms L671F, L672F, L759F, L777F, L795F, L796F, L813F, L814F.
Identifiers: ClinVar variation 4882075 (VCV004882075.2).

ClinVar aggregate classification (germline): Uncertain significance (1 of 4 stars; one submission).

Conditions:
Abortive cerebellar ataxia (BEHRS). Also called: OPTIC ATROPHY, INFANTILE HEREDITARY, WITH NEUROLOGIC ABNORMALITIES; Behr syndrome. Identifiers: Orphanet 1239, MedGen C0221061, MONDO:0008858, OMIM 210000.

gnomAD v4.1: 1 of 1,613,204 alleles (0.000062%); highest among the groups gnomAD compares: Non-Finnish European, 0.000085%; no homozygotes.

Submission:

Dasa
Classification: Uncertain significance for Behr syndrome. Last evaluated: 2025-08-27. Review status: criteria provided, single submitter. Criteria: DASA Assertion Criteria. Collection method: clinical testing. Allele origin: germline.
Comment: NM_130837.3(OPA1):c.2550G>C (p.Leu850Phe) is a missense variant that results in the substitution of leucine with phenylalanine. This variant is rare in population databases. Computational prediction algorithms are consistent with a deleterious effect. The currently available literature and clinical evidence are not sufficient to establish a definitive association between this variant and the reported condition. Therefore, this variant is classified as a variant of uncertain significance.